The following is an entry in ClinVar:

ClinVar aggregate classification (germline): Pathogenic. Review status: criteria provided, multiple submitters, no conflicts (2 of 4 stars). 2 submissions from 2 submitters: Pathogenic (2). Last evaluated 2025-03-04.

Conditions:
Nemaline myopathy. Also called: Myopathies, Nemaline. Identifiers: Orphanet 607, MedGen C0206157, MONDO:0018958.

gnomAD v4.1: 1 of 1,612,266 alleles (0.000062%); highest among the groups gnomAD compares: Non-Finnish European, 0.000085%; no homozygotes.

Submissions (2):

Broad Center for Mendelian Genomics, Broad Institute of MIT and Harvard
Classification: Pathogenic for Nemaline myopathy. Last evaluated: 2025-03-04. Review status: criteria provided, single submitter. Criteria: ACMG Guidelines, 2015. Collection method: curation. Allele origin: germline. Inheritance: Autosomal recessive inheritance.
Comment: The c.21313-666A>G (c.21417+3A>G) variant in NEB has been reported in 18 individuals with nemaline myopathy (PMID: 32222963) and has been identified in 0.00009% (1/1178868) of European (non-Finnish) chromosomes by the Genome Aggregation Database (gnomAD; dbSNP ID: rs2069560803). Although this variant has been seen in the general population in a heterozygous state, its frequency is low enough to be consistent with a recessive carrier frequency. Of the 18 affected individuals, all were compound heterozygotes, which increases the likelihood that the c.21313-666A>G variant is pathogenic (PMID: 32222963). This variant is located in the 3' splice region. Computational tools predict a splicing impact, though this information is not predictive enough to determine pathogenicity. This variant is adjacent to an in-frame exon and is more likely to escape nonsense mediated decay (NMD) and result in a truncated protein. In-frame exon skipping of the NEB gene is an established disease mechanism in autosomal recessive nemaline myopathy. In summary, this variant meets criteria to be classified as pathogenic for autosomal recessive nemaline myopathy. ACMG/AMP Criteria applied: PVS1_strong, PM3_very-strong, PM2_supporting, (Richards 2015).

Women's Health and Genetics/Laboratory Corporation of America, LabCorp
Classification: Pathogenic for Nemaline myopathy. Last evaluated: 2024-10-02. Review status: criteria provided, single submitter. Criteria: LabCorp Variant Classification Summary - May 2015. Collection method: clinical testing. Allele origin: germline.
Comment: Variant summary: NEB c.21417+3A>G alters a conserved nucleotide located close to a canonical splice site and therefore could affect mRNA splicing, leading to a significantly altered protein sequence. Several computational tools predict a significant impact on normal splicing: Two predict the variant abolishes a 5' splicing donor site. Two predict the variant weakens a 5' donor site. At least one publication reports experimental evidence that this variant affects mRNA splicing (Wang_2020). The variant was absent in 247796 control chromosomes. c.21417+3A>G has been reported in the literature in multiple individuals affected with Nemaline Myopathy 2 (Wang_2020). These data indicate that the variant is very likely to be associated with disease. The following publication have been ascertained in the context of this evaluation (PMID: 32222963). No submitters have cited clinical-significance assessments for this variant to ClinVar. Based on the evidence outlined above, the variant was classified as pathogenic.

Literature cited by the submitters: PubMed 32222963 (cited by Women's Health and Genetics/Laboratory Corporation of America, LabCorp).

NM_001164508.2(NEB):c.21313-666A>G

Genes: NEB (nebulin; minus strand), RIF1 (replication timing regulatory factor 1; plus strand). Cytogenetic location: 2q23.3.
Variant type: single nucleotide variant.
Coding change: c.21313-666A>G on transcript NM_001164508.2 (MANE Select); 666 bases into the intron before coding-DNA position 21313, A replaced by G.
Molecular consequence: intron variant.
Genome position (GRCh38, 1-based): chr2:151,534,212, T>C on the plus strand (A>G on the coding strand, the complement: NEB is on the minus strand). VCF-style: chr2-151534212-T-C. GRCh37 (hg19) VCF-style: chr2-152390726-T-C.
Other names: NM_001164508.2:c.21313-666A>G; c.16314+3A>G (NM_004543.5); c.21417+3A>G (NM_001164507.2, NM_001271208.2).
Identifiers: ClinVar variation 3384973 (VCV003384973.2).